The following is an entry in ClinVar:

ClinVar aggregate classification (germline): Uncertain significance (1 of 4 stars; one submission).

Allele frequency attached by ClinVar (database versions not stated): gnomAD exomes below 0.00001; gnomAD 0.00001.
gnomAD v4.1: 9 of 1,614,040 alleles (0.00056%); highest among the groups gnomAD compares: Non-Finnish European, 0.00068%; no homozygotes.

Submission:

Labcorp Genetics (formerly Invitae), Labcorp
Classification: Uncertain significance. Last evaluated: 2023-08-24. Review status: criteria provided, single submitter. Criteria: Invitae Variant Classification Sherloc (09022015). Collection method: clinical testing. Allele origin: germline.
Comment: In summary, the available evidence is currently insufficient to determine the role of this variant in disease. Therefore, it has been classified as a Variant of Uncertain Significance. Experimental studies and prediction algorithms are not available or were not evaluated, and the functional significance of this variant is currently unknown. This variant has not been reported in the literature in individuals affected with SIAE-related conditions. This variant is not present in population databases (gnomAD no frequency). This sequence change creates a premature translational stop signal (p.Lys450*) in the SIAE gene. While this is not anticipated to result in nonsense mediated decay, it is expected to disrupt the last 74 amino acid(s) of the SIAE protein.

NM_170601.5(SIAE):c.1348A>T (p.Lys450Ter)

Gene: SIAE (sialic acid acetylesterase; minus strand). Cytogenetic location: 11q24.2.
Variant type: single nucleotide variant.
Coding change: c.1348A>T on transcript NM_170601.5 (MANE Select); coding-DNA position 1348, A replaced by T.
Protein change: p.Lys450Ter; replaces lysine 450 with a stop codon.
Molecular consequence: nonsense.
Genome position (GRCh38, 1-based): chr11:124,637,175, T>A on the plus strand (A>T on the coding strand, the complement: SIAE is on the minus strand). VCF-style: chr11-124637175-T-A. GRCh37 (hg19) VCF-style: chr11-124507071-T-A.
Other names: c.1243A>T, p.Lys415Ter (NM_001199922.2); short protein forms K415*, K450*.
Identifiers: ClinVar variation 2997457 (VCV002997457.3), dbSNP rs1239354600, ClinGen allele CA383142220.